The following is an entry in ClinVar:

ClinVar aggregate classification (germline): Uncertain significance. Review status: criteria provided, multiple submitters, no conflicts (2 of 4 stars). 2 submissions from 2 submitters: Uncertain significance (2). Last evaluated 2024-04-24.

Conditions:
Methylmalonic aciduria, cblB type (MACB). Also called: METHYLMALONIC ACIDURIA, VITAMIN B12-RESPONSIVE, DUE TO DEFECT IN SYNTHESIS OF ADENOSYLCOBALAMIN, cblB TYPE; Methylmalonic acidemia cblB type; Vitamin B12-responsive methylmalonic acidemia type cblB. Identifiers: Orphanet 28, Orphanet 79311, MedGen C1855102, MONDO:0009614, OMIM 251110.

Allele frequency attached by ClinVar (database versions not stated): ExAC 0.00001; gnomAD 0.00001; gnomAD exomes 0.00001; TOPMed 0.00001.
gnomAD v4.1: 17 of 1,611,078 alleles (0.0011%); highest among the groups gnomAD compares: Middle Eastern, 0.049%; no homozygotes.

Submissions (2):

Fulgent Genetics
Classification: Uncertain significance for Methylmalonic aciduria, cblB type. Last evaluated: 2024-04-24. Review status: criteria provided, single submitter. Criteria: ACMG Guidelines, 2015. Collection method: clinical testing. Allele origin: germline.

Labcorp Genetics (formerly Invitae), Labcorp
Classification: Uncertain significance for Methylmalonic aciduria, cblB type. Last evaluated: 2023-11-28. Review status: criteria provided, single submitter. Criteria: Invitae Variant Classification Sherloc (09022015). Collection method: clinical testing. Allele origin: germline.
Comment: This sequence change falls in intron 8 of the MMAB gene. It does not directly change the encoded amino acid sequence of the MMAB protein. It affects a nucleotide within the consensus splice site. This variant is present in population databases (rs376868629, gnomAD 0.002%). This variant has not been reported in the literature in individuals affected with MMAB-related conditions. ClinVar contains an entry for this variant (Variation ID: 1464850). Variants that disrupt the consensus splice site are a relatively common cause of aberrant splicing (PMID: 17576681, 9536098). Algorithms developed to predict the effect of sequence changes on RNA splicing suggest that this variant is not likely to affect RNA splicing. In summary, the available evidence is currently insufficient to determine the role of this variant in disease. Therefore, it has been classified as a Variant of Uncertain Significance.

Literature cited by the submitters: PubMed 17576681 (cited by Labcorp Genetics (formerly Invitae), Labcorp); PubMed 9536098 (cited by Labcorp Genetics (formerly Invitae), Labcorp).

NM_052845.4(MMAB):c.644+6C>T

Gene: MMAB (metabolism of cobalamin associated B; minus strand). Cytogenetic location: 12q24.11.
Variant type: single nucleotide variant.
Coding change: c.644+6C>T on transcript NM_052845.4 (MANE Select); 6 bases into the intron after coding-DNA position 644, C replaced by T.
Molecular consequence: intron variant.
Genome position (GRCh38, 1-based): chr12:109,559,090, G>A on the plus strand (C>T on the coding strand, the complement: MMAB is on the minus strand). VCF-style: chr12-109559090-G-A. GRCh37 (hg19) VCF-style: chr12-109996895-G-A.
Identifiers: ClinVar variation 1464850 (VCV001464850.5), dbSNP rs376868629, ClinGen allele CA6778787.